The following is an entry in ClinVar:

ClinVar aggregate classification (germline): Uncertain significance (1 of 4 stars; one submission).

Submission:

GeneDx
Classification: Uncertain significance. Last evaluated: 2023-12-15. Review status: criteria provided, single submitter. Criteria: GeneDx Variant Classification Process June 2021. Collection method: clinical testing. Allele origin: germline. Affected: yes.
Comment: Not observed at significant frequency in large population cohorts (gnomAD); In silico analysis supports that this missense variant has a deleterious effect on protein structure/function; Has not been previously published as pathogenic or benign to our knowledge; Variants in candidate genes are classified as variants of uncertain significance in accordance with ACMG guidelines (PMID: 25741868)

NM_001113407.3(LDB1):c.686A>G (p.Asn229Ser)

Gene: LDB1 (LIM domain binding 1; minus strand). Cytogenetic location: 10q24.32.
Variant type: single nucleotide variant.
Coding change: c.686A>G on transcript NM_001113407.3 (MANE Select); coding-DNA position 686, A replaced by G.
Protein change: p.Asn229Ser; replaces asparagine 229 with serine.
Molecular consequence: missense variant.
Genome position (GRCh38, 1-based): chr10:102,109,646, T>C on the plus strand (A>G on the coding strand, the complement: LDB1 is on the minus strand). VCF-style: chr10-102109646-T-C. GRCh37 (hg19) VCF-style: chr10-103869403-T-C.
Other names: c.686A>G, p.Asn229Ser (NM_001321612.2); c.578A>G, p.Asn193Ser (NM_003893.5); short protein forms N193S, N229S.
Identifiers: ClinVar variation 3602264 (VCV003602264.1).